The following is an entry in ClinVar:

ClinVar aggregate classification (germline): Likely benign (1 of 4 stars; one submission).

Submission:

CeGaT Center for Human Genetics Tuebingen
Classification: Likely benign. Last evaluated: 2023-02-01. Review status: criteria provided, single submitter. Criteria: CeGaT Center For Human Genetics Tuebingen Variant Classification Criteria Version 2. Collection method: clinical testing. Allele origin: germline. Affected: yes. Observed: 1 variant allele.
Comment: MAGEE1: BS2

NM_020932.3(MAGEE1):c.466_501del (p.Ala156_Thr167del)

Gene: MAGEE1 (MAGE family member E1; plus strand). Cytogenetic location: Xq13.3.
Variant type: Deletion.
Coding change: c.466_501del on transcript NM_020932.3 (MANE Select); coding-DNA positions 466 to 501, 36 bases deleted.
Protein change: p.Ala156_Thr167del.
Molecular consequence: inframe deletion.
Genome position (GRCh38, 1-based): chrX:76,428,396-76,428,431, 36 bases deleted; deleting any 36 consecutive bases within chrX:76,428,385-76,428,431 gives the same sequence; the c. name uses the placement nearest the transcript's 3' end. GRCh37 (hg19): chrX:75,648,789-75,648,824.
Identifiers: ClinVar variation 2660952 (VCV002660952.24), dbSNP rs782674320, ClinGen allele CA10456925.